The following is an entry in ClinVar:

ClinVar aggregate classification (germline): Conflicting classifications of pathogenicity. Review status: criteria provided, conflicting classifications (1 of 4 stars). 4 submissions from 4 submitters: Uncertain significance (1); Likely benign (3). Last evaluated 2026-04-03.

Conditions:
HERC1-related disorder. Also called: HERC1-related condition.
Inborn genetic diseases. Identifiers: MedGen C0950123, MeSH D030342.

Allele frequency attached by ClinVar (database versions not stated): gnomAD exomes 0.00006 and 0.00011; ExAC 0.00016; 1000 Genomes Project 30x 0.00031; ESP Exome Variant Server 0.00033; 1000 Genomes Project 0.00040; gnomAD 0.00058 and 0.00065; TOPMed 0.00079.
gnomAD v4.1: 194 of 1,613,346 alleles (0.012%); highest among the groups gnomAD compares: African/African-American, 0.2%; 1 homozygote.

Submissions (4):

PreventionGenetics, part of Exact Sciences
Classification: Likely benign for HERC1-related condition. Last evaluated: 2026-04-03. Review status: criteria provided, single submitter. Criteria: ACMG Guidelines, 2015. Collection method: clinical testing. Allele origin: germline.
Comment: This variant is classified as likely benign based on ACMG/AMP sequence variant interpretation guidelines (Richards et al. 2015 PMID: 25741868, with internal and published modifications).

GeneDx
Classification: Likely benign. Last evaluated: 2023-08-21. Review status: criteria provided, single submitter. Criteria: GeneDx Variant Classification Process June 2021. Collection method: clinical testing. Allele origin: germline. Affected: yes.
Comment: See Variant Classification Assertion Criteria.

Labcorp Genetics (formerly Invitae), Labcorp
Classification: Uncertain significance. Last evaluated: 2022-08-11. Review status: criteria provided, single submitter. Criteria: Invitae Variant Classification Sherloc (09022015). Collection method: clinical testing. Allele origin: germline.
Comment: This sequence change replaces glutamic acid, which is acidic and polar, with lysine, which is basic and polar, at codon 1495 of the HERC1 protein (p.Glu1495Lys). This variant is present in population databases (rs201335263, gnomAD 0.2%). This variant has not been reported in the literature in individuals affected with HERC1-related conditions. ClinVar contains an entry for this variant (Variation ID: 1200451). Algorithms developed to predict the effect of missense changes on protein structure and function (SIFT, PolyPhen-2, Align-GVGD) all suggest that this variant is likely to be disruptive. In summary, the available evidence is currently insufficient to determine the role of this variant in disease. Therefore, it has been classified as a Variant of Uncertain Significance.

Ambry Genetics
Classification: Likely benign for Inborn genetic diseases. Last evaluated: 2022-05-04. Review status: criteria provided, single submitter. Criteria: Ambry Variant Classification Scheme 2023. Collection method: clinical testing. Allele origin: germline.

NM_003922.4(HERC1):c.4483G>A (p.Glu1495Lys)

Gene: HERC1 (HECT and RLD domain containing E3 ubiquitin protein ligase family member 1; minus strand). Cytogenetic location: 15q22.31.
Variant type: single nucleotide variant.
Coding change: c.4483G>A on transcript NM_003922.4 (MANE Select); coding-DNA position 4483, G replaced by A.
Protein change: p.Glu1495Lys; replaces glutamic acid 1495 with lysine.
Molecular consequence: missense variant.
Genome position (GRCh38, 1-based): chr15:63,712,876, C>T on the plus strand (G>A on the coding strand, the complement: HERC1 is on the minus strand). VCF-style: chr15-63712876-C-T. GRCh37 (hg19) VCF-style: chr15-64005075-C-T.
Other names: short protein forms E1495K.
Identifiers: ClinVar variation 1200451 (VCV001200451.9), dbSNP rs201335263, ClinGen allele CA7605783.
Genomic context (GRCh38, chr15:63,712,876, plus strand): 5'-CAGATTCACTCCTCGATTTGATCAGTCTATAATTTGGGCTTGTGTGGACTAGCCGGCTCT[C>T]TGCAGTAAGACTTTCACTCCTGTCTCACATGTACAAAAAAAAAAGTTTTTTGATTTAGGA-3'
Protein context (NP_003913.3, residues 1485-1505): LMTRSESLTA[Glu1495Lys]SRLVHTSPNY